The following is an entry in ClinVar:

ClinVar aggregate classification (germline): Conflicting classifications of pathogenicity. Review status: criteria provided, conflicting classifications (1 of 4 stars). 2 submissions from 2 submitters: Uncertain significance (1); Likely benign (1). Last evaluated 2026-01-19.

Conditions:
Pulmonary fibrosis and/or bone marrow failure, Telomere-related, 3. Also called: PULMONARY FIBROSIS AND/OR BONE MARROW FAILURE SYNDROME, TELOMERE-RELATED, 3. Identifiers: Orphanet 2032, MedGen C4225346, MONDO:0014613, OMIM 616373.
Dyskeratosis congenita, autosomal recessive 5 (DKCB5). Identifiers: MedGen C3554656, MONDO:0014076, OMIM 615190.
Inborn genetic diseases. Identifiers: MedGen C0950123, MeSH D030342.

gnomAD v4.1: 2 of 1,612,132 alleles (0.00012%); highest among the groups gnomAD compares: Non-Finnish European, 0.00017%; no homozygotes.

Submissions (2):

Labcorp Genetics (formerly Invitae), Labcorp
Classification: Uncertain significance for Dyskeratosis congenita, autosomal recessive 5; Pulmonary fibrosis and/or bone marrow failure, Telomere-related, 3. Last evaluated: 2026-01-19. Review status: criteria provided, single submitter. Criteria: Invitae Variant Classification Sherloc (09022015). Collection method: clinical testing. Allele origin: germline.
Comment: This sequence change replaces alanine, which is neutral and non-polar, with threonine, which is neutral and polar, at codon 891 of the RTEL1 protein (p.Ala891Thr). This variant is not present in population databases (gnomAD no frequency). This variant has not been reported in the literature in individuals affected with RTEL1-related conditions. ClinVar contains an entry for this variant (Variation ID: 3791179). An algorithm developed to predict the effect of missense changes on protein structure and function outputs the following: PolyPhen-2: "Benign". The threonine amino acid residue is found in multiple mammalian species, which suggests that this missense change does not adversely affect protein function. In summary, the available evidence is currently insufficient to determine the role of this variant in disease. Therefore, it has been classified as a Variant of Uncertain Significance.

Ambry Genetics
Classification: Likely benign for Inborn genetic diseases. Last evaluated: 2025-02-22. Review status: criteria provided, single submitter. Criteria: Ambry Variant Classification Scheme 2023. Collection method: clinical testing. Allele origin: germline.

NM_001283009.2(RTEL1):c.2671G>A (p.Ala891Thr)

Genes: RTEL1 (regulator of telomere elongation helicase 1; plus strand), RTEL1-TNFRSF6B (RTEL1-TNFRSF6B readthrough (NMD candidate); plus strand). Cytogenetic location: 20q13.33.
Variant type: single nucleotide variant.
Coding change: c.2671G>A on transcript NM_001283009.2 (MANE Select); coding-DNA position 2671, G replaced by A.
Protein change: p.Ala891Thr; replaces alanine 891 with threonine.
Molecular consequence: missense variant. On other transcripts: non-coding transcript variant (1).
Genome position (GRCh38, 1-based): chr20:63,692,823, G>A. VCF-style: chr20-63692823-G-A. GRCh37 (hg19) VCF-style: chr20-62324176-G-A.
Other names: c.2002G>A, p.Ala668Thr (NM_001283010.1); c.2671G>A, p.Ala891Thr (NM_016434.4); c.2743G>A, p.Ala915Thr (NM_032957.5); short protein forms A915T, A668T, A891T.
Identifiers: ClinVar variation 3791179 (VCV003791179.2).